The following is an entry in ClinVar:

NM_014915.3(ANKRD26):c.4779G>C (p.Gln1593His)

Gene: ANKRD26 (ankyrin repeat domain 26; minus strand). Cytogenetic location: 10p12.1.
Variant type: single nucleotide variant.
Coding change: c.4779G>C on transcript NM_014915.3 (MANE Select); coding-DNA position 4779, G replaced by C.
Protein change: p.Gln1593His; replaces glutamine 1593 with histidine.
Molecular consequence: missense variant.
Genome position (GRCh38, 1-based): chr10:27,013,056, C>G on the plus strand (G>C on the coding strand, the complement: ANKRD26 is on the minus strand). VCF-style: chr10-27013056-C-G. GRCh37 (hg19) VCF-style: chr10-27301985-C-G.
Other names: c.4776G>C, p.Gln1592His (NM_001256053.2); short protein forms Q1593H, Q1592H.
Identifiers: ClinVar variation 2909746 (VCV002909746.5), dbSNP rs746318386, ClinGen allele CA5447720.

ClinVar aggregate classification (germline): Uncertain significance. Review status: criteria provided, multiple submitters, no conflicts (2 of 4 stars). 3 submissions from 3 submitters: Uncertain significance (3). Last evaluated 2024-12-06.

Conditions:
Inborn genetic diseases. Identifiers: MedGen C0950123, MeSH D030342.

Allele frequency attached by ClinVar (database versions not stated): ExAC 0.00001; gnomAD exomes 0.00001.
gnomAD v4.1: 13 of 1,613,892 alleles (0.00081%); highest among the groups gnomAD compares: South Asian, 0.014%; no homozygotes.

Submissions (3):

Ambry Genetics
Classification: Uncertain significance for Inborn genetic diseases. Last evaluated: 2024-12-06. Review status: criteria provided, single submitter. Criteria: Ambry Variant Classification Scheme 2023. Collection method: clinical testing. Allele origin: germline.
Comment: The p.Q1593H variant (also known as c.4779G>C), located in coding exon 32 of the ANKRD26 gene, results from a G to C substitution at nucleotide position 4779. The glutamine at codon 1593 is replaced by histidine, an amino acid with highly similar properties. This amino acid position is conserved. In addition, this alteration is predicted to be tolerated by in silico analysis. Based on the available evidence, the clinical significance of this variant remains unclear.

Women's Health and Genetics/Laboratory Corporation of America, LabCorp
Classification: Uncertain significance. Last evaluated: 2024-08-07. Review status: criteria provided, single submitter. Criteria: LabCorp Variant Classification Summary - May 2015. Collection method: clinical testing. Allele origin: germline.
Comment: Variant summary: ANKRD26 c.4779G>C (p.Gln1593His) results in a non-conservative amino acid change located in the Domain of unknown function - DUF3496 (IPR021885) of the encoded protein sequence. Three of five in-silico tools predict a damaging effect of the variant on protein function. The variant allele was found at a frequency of 8e-06 in 249232 control chromosomes. The available data on variant occurrences in the general population are insufficient to allow any conclusion about variant significance. To our knowledge, no occurrence of c.4779G>C in individuals affected with Thrombocytopenia 2 and no experimental evidence demonstrating its impact on protein function have been reported. ClinVar contains an entry for this variant (Variation ID: 2909746). Based on the evidence outlined above, the variant was classified as uncertain significance.

Labcorp Genetics (formerly Invitae), Labcorp
Classification: Uncertain significance. Last evaluated: 2022-12-30. Review status: criteria provided, single submitter. Criteria: Invitae Variant Classification Sherloc (09022015). Collection method: clinical testing. Allele origin: germline.
Comment: This variant has not been reported in the literature in individuals affected with ANKRD26-related conditions. This variant is present in population databases (rs746318386, gnomAD 0.006%). This sequence change replaces glutamine, which is neutral and polar, with histidine, which is basic and polar, at codon 1593 of the ANKRD26 protein (p.Gln1593His). Algorithms developed to predict the effect of missense changes on protein structure and function are either unavailable or do not agree on the potential impact of this missense change (SIFT: "Tolerated"; PolyPhen-2: "Probably Damaging"; Align-GVGD: "Class C0"). In summary, the available evidence is currently insufficient to determine the role of this variant in disease. Therefore, it has been classified as a Variant of Uncertain Significance.